The following is an entry in ClinVar:

ClinVar aggregate classification (germline): Pathogenic (1 of 4 stars; one submission).

Conditions:
Developmental and epileptic encephalopathy, 11 (DEE11). Also called: Early infantile epileptic encephalopathy 11. Identifiers: Orphanet 1934, MedGen C3150987, MONDO:0013388, OMIM 613721.
Seizures, benign familial infantile, 3 (BFIS3). Also called: CONVULSIONS, BENIGN FAMILIAL INFANTILE, 3; Familial neonatal seizures. Identifiers: Orphanet 140927, Orphanet 306, MedGen C1843140, MONDO:0011904, OMIM 607745.

Submission:

Labcorp Genetics (formerly Invitae), Labcorp
Classification: Pathogenic for Seizures, benign familial infantile, 3; Developmental and epileptic encephalopathy, 11. Last evaluated: 2023-01-31. Review status: criteria provided, single submitter. Criteria: Invitae Variant Classification Sherloc (09022015). Collection method: clinical testing. Allele origin: unknown.
Comment: For these reasons, this variant has been classified as Pathogenic. A similar copy number variant has been observed in individual(s) with SCN2A-related conditions (Invitae). In at least one individual the variant was observed to be de novo. This variant results in a copy number gain of the genomic region encompassing exon(s) 24-25 of the SCN2A gene. While the exact position of this variant cannot be determined from the data, sub-genic copy number gains are generally in tandem (PMID: 25640679). This variant is predicted to be in-frame, and likely preserves the integrity of the reading frame.

Literature cited by the submitters: PubMed 25640679.

NC_000002.11:g.(?_166237082)_(166237727_?)dup

Gene: SCN2A (sodium voltage-gated channel alpha subunit 2; plus strand). Cytogenetic location: 2q24.3.
Variant type: Duplication.
Identifiers: ClinVar variation 3247241 (VCV003247241.1).